The following is an entry in ClinVar:

NM_002047.4(GARS1):c.353T>C (p.Ile118Thr)

Gene: GARS1 (glycyl-tRNA synthetase 1; plus strand). Cytogenetic location: 7p14.3.
Variant type: single nucleotide variant.
Coding change: c.353T>C on transcript NM_002047.4 (MANE Select); coding-DNA position 353, T replaced by C.
Protein change: p.Ile118Thr; replaces isoleucine 118 with threonine.
Molecular consequence: missense variant.
Genome position (GRCh38, 1-based): chr7:30,599,975, T>C. VCF-style: chr7-30599975-T-C. GRCh37 (hg19) VCF-style: chr7-30639591-T-C.
Other names: c.191T>C, p.Ile64Thr (NM_001316772.1); short protein forms I118T, I64T.
Identifiers: ClinVar variation 1023000 (VCV001023000.10), dbSNP rs1791340048, ClinGen allele CA367139134.
Genomic context (GRCh38, chr7:30,599,975, plus strand): 5'-CACTCACTCACTTTTTATTTAATCTCTAACAGGAGCTGGCGTTACAGCCCAAAGATGATA[T>C]TGTAGACCGAGCAAAAATGGAAGATACCCTGAAGAGGAGGTTTTTCTATGATCAAGCTTT-3'
Protein context (NP_002038.2, residues 108-128): KELALQPKDD[Ile118Thr]VDRAKMEDTL

ClinVar aggregate classification (germline): Uncertain significance (1 of 4 stars; one submission).

Conditions:
Charcot-Marie-Tooth disease type 2. Also called: Charcot-Marie-Tooth type 2. Identifiers: Orphanet 64746, MedGen C0270914, MONDO:0018993.

Allele frequency attached by ClinVar (database versions not stated): gnomAD exomes below 0.00001.
gnomAD v4.1: 1 of 1,613,410 alleles (0.000062%); highest among the groups gnomAD compares: Non-Finnish European, 0.000085%; no homozygotes.

Submission:

Labcorp Genetics (formerly Invitae), Labcorp
Classification: Uncertain significance for Charcot-Marie-Tooth disease type 2. Last evaluated: 2022-07-12. Review status: criteria provided, single submitter. Criteria: Invitae Variant Classification Sherloc (09022015). Collection method: clinical testing. Allele origin: germline.
Comment: Algorithms developed to predict the effect of missense changes on protein structure and function (SIFT, PolyPhen-2, Align-GVGD) all suggest that this variant is likely to be tolerated. In summary, the available evidence is currently insufficient to determine the role of this variant in disease. Therefore, it has been classified as a Variant of Uncertain Significance. ClinVar contains an entry for this variant (Variation ID: 1023000). This variant has not been reported in the literature in individuals affected with GARS-related conditions. This variant is not present in population databases (gnomAD no frequency). This sequence change replaces isoleucine, which is neutral and non-polar, with threonine, which is neutral and polar, at codon 118 of the GARS protein (p.Ile118Thr).